The following is an entry in ClinVar:

NM_004415.4(DSP):c.8537G>A (p.Arg2846Gln)

Gene: DSP (desmoplakin; plus strand). Cytogenetic location: 6p24.3.
Variant type: single nucleotide variant.
Coding change: c.8537G>A on transcript NM_004415.4 (MANE Select); coding-DNA position 8537, G replaced by A.
Protein change: p.Arg2846Gln; replaces arginine 2846 with glutamine.
Molecular consequence: missense variant.
Genome position (GRCh38, 1-based): chr6:7,585,799, G>A. VCF-style: chr6-7585799-G-A. GRCh37 (hg19) VCF-style: chr6-7586032-G-A.
Other names: c.6740G>A, p.Arg2247Gln (NM_001008844.3); c.7208G>A, p.Arg2403Gln (NM_001319034.2); short protein forms R2247Q, R2403Q, R2846Q.
Identifiers: ClinVar variation 1332329 (VCV001332329.4), dbSNP rs780766289, ClinGen allele CA052753.

ClinVar aggregate classification (germline): Conflicting classifications of pathogenicity. Review status: criteria provided, conflicting classifications (1 of 4 stars). 2 submissions from 2 submitters: Uncertain significance (1); Likely benign (1). Last evaluated 2025-09-03.

Conditions:
Arrhythmogenic cardiomyopathy with wooly hair and keratoderma. Also called: Carvajal syndrome; Dilated cardiomyopathy with woolly hair and keratoderma; Arrhythmogenic cardiomyopathy with woolly hair and keratoderma; PALMOPLANTAR KERATODERMA WITH LEFT VENTRICULAR CARDIOMYOPATHY AND WOOLLY HAIR. Identifiers: Orphanet 65282, MedGen C1854063, MONDO:0011581, OMIM 605676.
Arrhythmogenic right ventricular dysplasia 8 (ARVD8). Also called: Arrhythmogenic Right Ventricular Dysplasia/Cardiomyopathy 8; ARRHYTHMOGENIC RIGHT VENTRICULAR DYSPLASIA, FAMILIAL, 8; ARRHYTHMOGENIC RIGHT VENTRICULAR CARDIOMYOPATHY 8. Identifiers: MedGen C1843896, MONDO:0011831, OMIM 607450.
Cardiomyopathy (CMYO). Also called: Cardiomyopathies. Identifiers: Orphanet 167848, MedGen C0878544, MONDO:0004994, HP:0001638. Inheritance: Various modes of inheritance.

Allele frequency attached by ClinVar (database versions not stated): gnomAD exomes below 0.00001; ExAC 0.00001.
gnomAD v4.1: 3 of 1,610,832 alleles (0.00019%); highest among the groups gnomAD compares: East Asian, 0.0022%; no homozygotes.

Submissions (2):

Labcorp Genetics (formerly Invitae), Labcorp
Classification: Likely benign for Arrhythmogenic cardiomyopathy with wooly hair and keratoderma; Arrhythmogenic right ventricular dysplasia 8. Last evaluated: 2025-09-03. Review status: criteria provided, single submitter. Criteria: Invitae Variant Classification Sherloc (09022015). Collection method: clinical testing. Allele origin: germline.

Color Diagnostics, LLC DBA Color Health
Classification: Uncertain significance for Cardiomyopathy. Last evaluated: 2024-03-06. Review status: criteria provided, single submitter. Criteria: ACMG Guidelines, 2015. Collection method: clinical testing. Allele origin: germline.
Comment: This missense variant replaces arginine with glutamine at codon 2846 of the DSP protein. Computational prediction suggests that this variant may not impact protein structure and function (internally defined REVEL score threshold <= 0.5, PMID: 27666373). To our knowledge, functional studies have not been reported for this variant. This variant has not been reported in individuals affected with cardiovascular disorders in the literature. This variant has been identified in 1/246996 chromosomes in the general population by the Genome Aggregation Database (gnomAD). The available evidence is insufficient to determine the role of this variant in disease conclusively. Therefore, this variant is classified as a Variant of Uncertain Significance.